The following is an entry in ClinVar:

ClinVar aggregate classification (germline): Conflicting classifications of pathogenicity. Review status: criteria provided, conflicting classifications (1 of 4 stars). 12 submissions from 12 submitters: Uncertain significance (8); Likely benign (2). 2 of the submissions do not count toward it. Last evaluated 2025-10-13.

Conditions:
Hereditary breast ovarian cancer syndrome. Also called: Hereditary breast and ovarian cancer syndrome (HBOC); BRCA1- and BRCA2-Associated Hereditary Breast and Ovarian Cancer; Hereditary breast and/or ovarian cancer syndrome; Hereditary breast and ovarian cancer syndrome; Hereditary breast and ovarian cancer; Breast and ovarian cancer. Identifiers: Orphanet 145, MedGen C0677776, MeSH D061325, MONDO:0003582. Disease mechanism: loss of function.
Breast and/or ovarian cancer. Identifiers: MedGen CN221562.
Hereditary cancer-predisposing syndrome. Also called: Neoplastic Syndromes, Hereditary; Hereditary neoplastic syndrome; Tumor predisposition; Hereditary Cancer Syndrome. Identifiers: Orphanet 140162, MedGen C0027672, MeSH D009386, MONDO:0015356.
Familial cancer of breast. Also called: hereditary breast carcinoma; BREAST CANCER, FAMILIAL; Hereditary breast cancer. Identifiers: Orphanet 227535, MedGen C0346153, MONDO:0016419, OMIM 114480. Disease mechanism: loss of function.
Fanconi anemia, complementation group S (FANCS). Identifiers: MedGen C4554406, MONDO:0054748, OMIM 617883.
Breast-ovarian cancer, familial, susceptibility to, 1 (BROVCA1). Also called: BRCA1 Hereditary Breast and Ovarian Cancer; OVARIAN CANCER, SUSCEPTIBILITY TO. Identifiers: Orphanet 145, MedGen C2676676, MONDO:0011450, OMIM 604370. Disease mechanism: loss of function.
Pancreatic cancer, susceptibility to, 4. Identifiers: Orphanet 1333, MedGen C3280442, MONDO:0013685, OMIM 614320.
Malignant tumor of breast. Also called: Malignant breast neoplasm; Cancer breast. Identifiers: MedGen C0006142, MONDO:0007254. Disease mechanism: loss of function.

Allele frequency attached by ClinVar (database versions not stated): gnomAD exomes below 0.00001 and 0.00004; TOPMed below 0.00001.
gnomAD v4.1: 53 of 1,614,052 alleles (0.0033%); highest among the groups gnomAD compares: Non-Finnish European, 0.0045%; no homozygotes.

Submissions 1 to 7 of 12:

Labcorp Genetics (formerly Invitae), Labcorp
Classification: Uncertain significance for Hereditary breast ovarian cancer syndrome. Last evaluated: 2025-10-13. Review status: criteria provided, single submitter. Criteria: Invitae Variant Classification Sherloc (09022015). Collection method: clinical testing. Allele origin: germline.
Comment: This sequence change replaces tyrosine, which is neutral and polar, with histidine, which is basic and polar, at codon 1552 of the BRCA1 protein (p.Tyr1552His). This variant is present in population databases (no rsID available, gnomAD 0.0009%). This missense change has been observed in individual(s) with breast cancer and cutaneous malignant melanoma (PMID: 22713736, 29036293). This variant is also known as 4773T>C. ClinVar contains an entry for this variant (Variation ID: 433716). Invitae Evidence Modeling of protein sequence and biophysical properties (such as structural, functional, and spatial information, amino acid conservation, physicochemical variation, residue mobility, and thermodynamic stability) indicates that this missense variant is not expected to disrupt BRCA1 protein function with a negative predictive value of 95%. In summary, the available evidence is currently insufficient to determine the role of this variant in disease. Therefore, it has been classified as a Variant of Uncertain Significance.

Ambry Genetics
Classification: Uncertain significance for Hereditary cancer-predisposing syndrome. Last evaluated: 2025-06-28. Review status: criteria provided, single submitter. Criteria: Ambry Variant Classification Scheme 2023. Collection method: clinical testing. Allele origin: germline.
Comment: The p.Y1552H variant (also known as c.4654T>C), located in coding exon 13 of the BRCA1 gene, results from a T to C substitution at nucleotide position 4654. The tyrosine at codon 1552 is replaced by histidine, an amino acid with similar properties. This amino acid position is not well conserved in available vertebrate species. In addition, the in silico prediction for this alteration is inconclusive. Since supporting evidence is limited at this time, the clinical significance of this alteration remains unclear.

Genetic Services Laboratory, University of Chicago
Classification: Uncertain significance. Last evaluated: 2025-05-19. Review status: criteria provided, single submitter. Criteria: ACMG Guidelines, 2015. Collection method: clinical testing. Allele origin: germline.
Comment: The c.4654T>C variant: Results in an amino acid change, p.Tyr1552His. Has been previously described in individuals with melanoma and breast cancer (PMID: 29036293, 22713736). Is reported in the gnomAD v4 database with a frequency of 0.003% in the global population (dbSNP rs1265352633). Affects a poorly conserved amino acid residue located in a domain of the BRCA1 protein that is known to be functional. Appears to be benign using several in-silico pathogenicity prediction tools. ClinVar contains an entry for this variant (Variation ID: 433716). Due to insufficient evidence and the lack of functional studies, the clinical significance of the p.Tyr1552His variant remains unknown at this time.

GeneDx
Classification: Uncertain significance. Last evaluated: 2024-05-10. Review status: criteria provided, single submitter. Criteria: GeneDx Variant Classification Process June 2021. Collection method: clinical testing. Allele origin: germline. Affected: yes.
Comment: Not observed at significant frequency in large population cohorts (gnomAD); In silico analysis indicates that this missense variant does not alter protein structure/function; Also known as 4773T>C; This variant is associated with the following publications: (PMID: 22713736, 29036293)

Women's Health and Genetics/Laboratory Corporation of America, LabCorp
Classification: Uncertain significance. Last evaluated: 2023-08-23. Review status: criteria provided, single submitter. Criteria: LabCorp Variant Classification Summary - May 2015. Collection method: clinical testing. Allele origin: germline.
Comment: Variant summary: BRCA1 c.4654T>C (p.Tyr1552His) results in a conservative amino acid change in the encoded protein sequence. Five of five in-silico tools predict a benign effect of the variant on protein function. The variant allele was found at a frequency of 4e-06 in 251256 control chromosomes. The available data on variant occurrences in the general population are insufficient to allow any conclusion about variant significance. c.4654T>C has been reported in the literature in individuals affected with Melanoma or Breast and/or Ovarian Cancer without strong evidence for causality (examples, Goldstein_2017, Jalkh_2012). These report(s) do not provide unequivocal conclusions about association of the variant with Hereditary Breast And Ovarian Cancer Syndrome. To our knowledge, no experimental evidence demonstrating an impact on protein function has been reported. The following publications have been ascertained in the context of this evaluation (PMID: 29036293, 22713736). Six submitters have cited clinical-significance assessments for this variant to ClinVar after 2014 (VUS, n=5, Likely benign, n=1). Based on the evidence outlined above, the variant was classified as uncertain significance.

All of Us Research Program, National Institutes of Health
Classification: Likely benign for Breast-ovarian cancer, familial, susceptibility to, 1. Last evaluated: 2023-05-04. Review status: criteria provided, single submitter. Criteria: ACMG Guidelines, 2015. Collection method: clinical testing. Allele origin: germline. Inheritance: Autosomal dominant inheritance. Observed: 1 variant allele, 1 heterozygote.
Comment: This study involves interpretation of variants in research participants for the purpose of population health screening. Participant phenotype was not available at the time of variant classification. Additional details can be found in publication PMID: 35346344, PMCID: PMC8962531

Quest Diagnostics Nichols Institute San Juan Capistrano
Classification: Uncertain significance. Last evaluated: 2022-09-23. Review status: criteria provided, single submitter. Criteria: Quest Diagnostics criteria. Collection method: clinical testing. Allele origin: unknown.
Comment: The frequency of this variant in the general population, 0.000004 (1/251256 chromosomes), is uninformative in assessment of its pathogenicity. In the published literature, the variant has been reported in individuals affected with breast/ovarian cancer (PMID: 22713736 (2012)) and melanoma (PMID: 29036293 (2017)). One in vitro study showed that the wild- type tyrosine residue at this position is important for BRCA1 stability and function in DNA repair (PMID: 29156836 (2017)). However, additional functional studies are needed to assess the effect of this variant. Analysis of this variant using bioinformatics tools for the prediction of the effect of amino acid changes on protein structure and function yielded predictions that this variant is benign. Based on the available information, we are unable to determine the clinical significance of this variant.

NM_007294.4(BRCA1):c.4654T>C (p.Tyr1552His)

Gene: BRCA1 (BRCA1 DNA repair associated; minus strand). Cytogenetic location: 17q21.31.
Variant type: single nucleotide variant.
Coding change: c.4654T>C on transcript NM_007294.4 (MANE Select); coding-DNA position 4654, T replaced by C.
Protein change: p.Tyr1552His; replaces tyrosine 1552 with histidine.
Molecular consequence: missense variant. On other transcripts: non-coding transcript variant (1).
Genome position (GRCh38, 1-based): chr17:43,074,352, A>G on the plus strand (T>C on the coding strand, the complement: BRCA1 is on the minus strand). VCF-style: chr17-43074352-A-G. GRCh37 (hg19) VCF-style: chr17-41226369-A-G.
Other names: c.1078T>C, p.Tyr360His (NM_001408504.1, NM_001408503.1, NM_001408502.1); c.1075T>C, p.Tyr359His (NM_001408505.1); c.1018T>C, p.Tyr340His (NM_001408506.1); c.1015T>C, p.Tyr339His (NM_001408507.1); c.1006T>C, p.Tyr336His (NM_001408508.1); c.1003T>C, p.Tyr335His (NM_001408509.1); c.964T>C, p.Tyr322His (NM_001408510.1); c.961T>C, p.Tyr321His (NM_001408511.1); and 68 more; short protein forms Y1552H, Y1505H, Y448H, Y1573H, Y1256H, Y1463H, Y1483H, Y1525H.
Identifiers: ClinVar variation 433716 (VCV000433716.29), dbSNP rs1265352633, ClinGen allele CA10592205.
Genomic context (GRCh38, chr17:43,074,352, plus strand): 5'-ATCAAAGTGTTTGTTCCAATACAGCAGATGAAATATTACCTAGATCTTGCCTTGGCAAGT[A>G]AGATGTTTCCGTCAAATCGTGTGGCCCAGACTCTTCCAGCTGTTGCTCCTCCACATCAAC-3'
Protein context (NP_009225.1, residues 1542-1562): SGPHDLTETS[Tyr1552His]LPRQDLEGTP